The following is an entry in ClinVar:

ClinVar aggregate classification (germline): Benign. Review status: criteria provided, multiple submitters, no conflicts (2 of 4 stars). 4 submissions from 4 submitters: Benign (4). Last evaluated 2026-02-02.

Conditions:
Age related macular degeneration 1 (ARMD1). Also called: MACULOPATHY, AGE-RELATED, 1. Identifiers: MedGen C1864205, MONDO:0011285, OMIM 603075.

Allele frequency attached by ClinVar (database versions not stated): 1000 Genomes Project 0.01018; gnomAD exomes 0.01024 and 0.01376; ExAC 0.01086; 1000 Genomes Project 30x 0.01093; gnomAD 0.01299 and 0.01345; TOPMed 0.01351; ESP Exome Variant Server 0.01607.
gnomAD v4.1: 21,983 of 1,613,620 alleles (1.4%); highest among the groups gnomAD compares: Middle Eastern, 2.4%; 192 homozygotes.

Submissions (4):

Labcorp Genetics (formerly Invitae), Labcorp
Classification: Benign. Last evaluated: 2026-02-02. Review status: criteria provided, single submitter. Criteria: Invitae Variant Classification Sherloc (09022015). Collection method: clinical testing. Allele origin: germline.

Genome-Nilou Lab
Classification: Benign for Age related macular degeneration 1. Last evaluated: 2023-04-11. Review status: criteria provided, single submitter. Criteria: ACMG Guidelines, 2015. Collection method: clinical testing. Allele origin: germline. Affected: no.

Illumina Laboratory Services, Illumina
Classification: Benign for Age related macular degeneration 1. Last evaluated: 2018-01-13. Review status: criteria provided, single submitter. Criteria: ICSL Variant Classification Criteria 13 December 2019. Collection method: clinical testing. Allele origin: germline.
Comment: This variant was observed in the ICSL laboratory as part of a predisposition screen in an ostensibly healthy population. It had not been previously curated by ICSL or reported in the Human Gene Mutation Database (HGMD: prior to June 1st, 2018), and was therefore a candidate for classification through an automated scoring system. Utilizing variant allele frequency, disease prevalence and penetrance estimates, and inheritance mode, an automated score was calculated to assess if this variant is too frequent to cause the disease. Based on the score and internal cut-off values, a variant classified as benign is not then subjected to further curation. The score for this variant resulted in a classification of benign for this disease.

Breakthrough Genomics
Classification: Benign. Review status: criteria provided, single submitter. Criteria: ACMG Guidelines, 2015. Collection method: not provided. Allele origin: germline. Inheritance: Autosomal dominant inheritance. Affected: yes.

NM_031935.3(HMCN1):c.10536T>C (p.Ala3512=)

Gene: HMCN1 (hemicentin 1; plus strand). Cytogenetic location: 1q31.1.
Variant type: single nucleotide variant.
Coding change: c.10536T>C on transcript NM_031935.3 (MANE Select); coding-DNA position 10536, T replaced by C.
Protein change: p.Ala3512=; no amino-acid change (alanine 3512 retained).
Molecular consequence: synonymous variant.
Genome position (GRCh38, 1-based): chr1:186,095,484, T>C. VCF-style: chr1-186095484-T-C. GRCh37 (hg19) VCF-style: chr1-186064616-T-C.
Identifiers: ClinVar variation 294221 (VCV000294221.14), dbSNP rs72720910, ClinGen allele CA1293743.
Genomic context (GRCh38, chr1:186,095,484, plus strand): 5'-GCTCCTCAAAGCAGAGACTGAAGATTCGGGAAAGTACACCTGCATTGCCTCAAATGAAGC[T>C]GGAGAAGTCAGCAAGCACTTTATCCTCAAGGTCCTAGGTATGTAAACATTGTGGTAAATG-3'
Protein context (NP_114141.2, residues 3502-3522): GKYTCIASNE[Ala3512=]GEVSKHFILK